The following is an entry in ClinVar:

ClinVar aggregate classification (germline): Benign/Likely benign. Review status: criteria provided, multiple submitters, no conflicts (2 of 4 stars). 3 submissions from 3 submitters: Benign (1); Likely benign (2). Last evaluated 2025-09-23.

Allele frequency attached by ClinVar (database versions not stated): ExAC 0.00012; gnomAD exomes 0.00012 and 0.00024; gnomAD 0.00016 and 0.00017; TOPMed 0.00028; ESP Exome Variant Server 0.00038.
gnomAD v4.1: 218 of 1,614,092 alleles (0.014%); highest among the groups gnomAD compares: Admixed American, 0.045%; 1 homozygote.

Submissions (3):

Labcorp Genetics (formerly Invitae), Labcorp
Classification: Benign. Last evaluated: 2025-09-23. Review status: criteria provided, single submitter. Criteria: Invitae Variant Classification Sherloc (09022015). Collection method: clinical testing. Allele origin: germline.

Mayo Clinic Laboratories, Mayo Clinic
Classification: Likely benign. Last evaluated: 2025-05-06. Review status: criteria provided, single submitter. Criteria: ACMG Guidelines, 2015. Collection method: clinical testing. Allele origin: germline. Observed: 1 variant allele.
Comment: BS1, BP4, BP7

Blueprint Genetics
Classification: Likely benign. Last evaluated: 2024-10-23. Review status: criteria provided, single submitter. Criteria: ACMG Guidelines, 2015. Collection method: clinical testing. Allele origin: germline.

NM_005559.4(LAMA1):c.8631G>A (p.Val2877=)

Gene: LAMA1 (laminin subunit alpha 1; minus strand). Cytogenetic location: 18p11.31.
Variant type: single nucleotide variant.
Coding change: c.8631G>A on transcript NM_005559.4 (MANE Select); coding-DNA position 8631, G replaced by A.
Protein change: p.Val2877=; no amino-acid change (valine 2877 retained).
Molecular consequence: synonymous variant.
Genome position (GRCh38, 1-based): chr18:6,948,482, C>T on the plus strand (G>A on the coding strand, the complement: LAMA1 is on the minus strand). VCF-style: chr18-6948482-C-T. GRCh37 (hg19) VCF-style: chr18-6948481-C-T.
Other names: p.Val2877=.
Identifiers: ClinVar variation 1600186 (VCV001600186.10), dbSNP rs372751048, ClinGen allele CA8880405.
Genomic context (GRCh38, chr18:6,948,482, plus strand): 5'-TCCGTCAAAGTATGTTCCTTCCTGGGCCACTGCGTAGCACCTGTTCACCGTGAAGGCAGA[C>T]ACCGGGCTGTCCTTGTCCAGCTGTTTGCTGTTAACCGTCACATCCCCAATGCAGGCAGGG-3'
Protein context (NP_005550.2, residues 2867-2887): NSKQLDKDSP[Val2877=]SAFTVNRCYA